The following is an entry in ClinVar:

ClinVar aggregate classification (germline): Pathogenic. Review status: criteria provided, single submitter (1 of 4 stars). 2 submissions from 2 submitters: Pathogenic (1). 1 of the submissions does not count toward it. Last evaluated 2024-08-10.

Conditions:
Asphyxiating thoracic dystrophy 3. Also called: SHORT-RIB THORACIC DYSPLASIA 3 WITH OR WITHOUT POLYDACTYLY; POLYDACTYLY WITH NEONATAL CHONDRODYSTROPHY, TYPE I; SHORT-RIB THORACIC DYSPLASIA 3/6 WITH POLYDACTYLY, DIGENIC; Short rib polydactyly syndrome 2B; Saldino-Noonan Syndrome. Identifiers: Orphanet 474, Orphanet 93269, Orphanet 93270, Orphanet 93271, MedGen C0036069, MONDO:0013127, OMIM 613091.

Allele frequency attached by ClinVar (database versions not stated): gnomAD 0.00001; gnomAD exomes 0.00001 and below 0.00001.
gnomAD v4.1: 8 of 1,505,234 alleles (0.00053%); highest among the groups gnomAD compares: African/African-American, 0.0014%; no homozygotes.

Submissions (2):

Myriad Genetics, Inc.
Classification: Pathogenic for Asphyxiating thoracic dystrophy 3. Last evaluated: 2024-08-10. Review status: criteria provided, single submitter. Criteria: Myriad Autosomal Dominant, Autosomal Recessive and X-Linked Classification Criteria (2023). Collection method: clinical testing. Allele origin: unknown.
Comment: NM_001377.2(DYNC2H1):c.9817C>T(Q3273*) is expected to be pathogenic in the context of DYNC2H1-related disorders. This variant is predicted to lead to an abnormal or absent protein product due to the creation of a premature termination codon in DYNC2H1, a gene where loss-of-function variants are known to be pathogenic. Please note: this variant was assessed in the context of healthy population screening.

Joint Genome Diagnostic Labs from Nijmegen and Maastricht, Radboudumc and MUMC+
Classification: Pathogenic for Asphyxiating thoracic dystrophy 3. Review status: no assertion criteria provided. Collection method: research. Allele origin: inherited. Affected: yes. Not counted in ClinVar's aggregate classification.

NM_001377.3(DYNC2H1):c.9817C>T (p.Gln3273Ter)

Gene: DYNC2H1 (dynein cytoplasmic 2 heavy chain 1; plus strand). Cytogenetic location: 11q22.3.
Variant type: single nucleotide variant.
Coding change: c.9817C>T on transcript NM_001377.3 (MANE Select); coding-DNA position 9817, C replaced by T.
Protein change: p.Gln3273Ter; replaces glutamine 3273 with a stop codon.
Molecular consequence: nonsense.
Genome position (GRCh38, 1-based): chr11:103,236,537, C>T. VCF-style: chr11-103236537-C-T. GRCh37 (hg19) VCF-style: chr11-103107266-C-T.
Other names: c.9817C>T, p.Gln3273Ter (NM_001080463.2); short protein forms Q3273*.
Identifiers: ClinVar variation 997835 (VCV000997835.5), dbSNP rs1322871899, ClinGen allele CA382242479.